The following is an entry in ClinVar:

ClinVar aggregate classification (germline): Uncertain significance. Review status: criteria provided, multiple submitters, no conflicts (2 of 4 stars). 2 submissions from 2 submitters: Uncertain significance (2). Last evaluated 2025-07-15.

Conditions:
Candidiasis, familial, 6 (CANDF6). Also called: Candidiasis, familial, 6, autosomal dominant. Identifiers: Orphanet 1334, MedGen C3151405, MONDO:0013503, OMIM 613956.

Allele frequency attached by ClinVar (database versions not stated): gnomAD 0.00001; gnomAD exomes 0.00001 and 0.00002; TOPMed 0.00001; ExAC 0.00002.
gnomAD v4.1: 20 of 1,614,086 alleles (0.0012%); highest among the groups gnomAD compares: Admixed American, 0.0017%; no homozygotes.

Submissions (2):

Ambry Genetics
Classification: Uncertain significance. Last evaluated: 2025-07-15. Review status: criteria provided, single submitter. Criteria: Ambry Variant Classification Scheme 2023. Collection method: clinical testing. Allele origin: germline.

Labcorp Genetics (formerly Invitae), Labcorp
Classification: Uncertain significance for Candidiasis, familial, 6. Last evaluated: 2024-12-17. Review status: criteria provided, single submitter. Criteria: Invitae Variant Classification Sherloc (09022015). Collection method: clinical testing. Allele origin: germline.
Comment: This sequence change replaces leucine, which is neutral and non-polar, with tryptophan, which is neutral and slightly polar, at codon 143 of the IL17F protein (p.Leu143Trp). This variant is present in population databases (rs774103459, gnomAD 0.003%). This variant has not been reported in the literature in individuals affected with IL17F-related conditions. ClinVar contains an entry for this variant (Variation ID: 945052). An algorithm developed to predict the effect of missense changes on protein structure and function (PolyPhen-2) suggests that this variant is likely to be disruptive. In summary, the available evidence is currently insufficient to determine the role of this variant in disease. Therefore, it has been classified as a Variant of Uncertain Significance.

NM_052872.4(IL17F):c.428T>G (p.Leu143Trp)

Gene: IL17F (interleukin 17F; minus strand). Cytogenetic location: 6p12.2.
Variant type: single nucleotide variant.
Coding change: c.428T>G on transcript NM_052872.4 (MANE Select); coding-DNA position 428, T replaced by G.
Protein change: p.Leu143Trp; replaces leucine 143 with tryptophan.
Molecular consequence: missense variant.
Genome position (GRCh38, 1-based): chr6:52,236,995, A>C on the plus strand (T>G on the coding strand, the complement: IL17F is on the minus strand). VCF-style: chr6-52236995-A-C. GRCh37 (hg19) VCF-style: chr6-52101793-A-C.
Other names: short protein forms L143W.
Identifiers: ClinVar variation 945052 (VCV000945052.10), dbSNP rs774103459, ClinGen allele CA3854354.